The following is an entry in ClinVar:

NM_003000.3(SDHB):c.597C>T (p.Tyr199=)

Gene: SDHB (succinate dehydrogenase complex iron sulfur subunit B; minus strand). Cytogenetic location: 1p36.13.
Variant type: single nucleotide variant.
Coding change: c.597C>T on transcript NM_003000.3 (MANE Select); coding-DNA position 597, C replaced by T.
Protein change: p.Tyr199=; no amino-acid change (tyrosine 199 retained).
Molecular consequence: synonymous variant.
Genome position (GRCh38, 1-based): chr1:17,024,018, G>A on the plus strand (C>T on the coding strand, the complement: SDHB is on the minus strand). VCF-style: chr1-17024018-G-A. GRCh37 (hg19) VCF-style: chr1-17350513-G-A.
Identifiers: ClinVar variation 757137 (VCV000757137.9), dbSNP rs1570945852, ClinGen allele CA416083565.

ClinVar aggregate classification (germline): Benign/Likely benign. Review status: criteria provided, multiple submitters, no conflicts (2 of 4 stars). 3 submissions from 3 submitters: Benign (1); Likely benign (2). Last evaluated 2025-03-13.

Conditions:
Gastrointestinal stromal tumor. Also called: Gastrointestinal stromal tumor, somatic; Gastrointestinal stroma tumor. Identifiers: Orphanet 44890, MedGen C0238198, MeSH D046152, MONDO:0011719, OMIM 606764, HP:0100723.
Pheochromocytoma/paraganglioma syndrome 4. Also called: SDHB-Related Hereditary Paraganglioma-Pheochromocytoma Syndrome (Paragangliomas 4); SDHB-Related Hereditary Paraganglioma-Pheochromocytoma Syndrome; CAROTID BODY TUMORS AND MULTIPLE EXTRAADRENAL PHEOCHROMOCYTOMAS; PARAGANGLIOMA, FAMILIAL MALIGNANT; PARAGANGLIOMAS, HEREDITARY EXTRAADRENAL; PHEOCHROMOCYTOMA, FAMILIAL EXTRAADRENAL. Identifiers: Orphanet 29072, MedGen C1861848, MONDO:0007273, OMIM 115310.
Pheochromocytoma. Also called: MAX-Related Hereditary Paraganglioma-Pheochromocytoma Syndrome. Identifiers: Orphanet 29072, MedGen C0031511, MONDO:0008233, OMIM 171300, HP:0002666.
Hereditary cancer-predisposing syndrome. Also called: Neoplastic Syndromes, Hereditary; Hereditary Cancer Syndrome; Hereditary neoplastic syndrome; Tumor predisposition. Identifiers: Orphanet 140162, MedGen C0027672, MeSH D009386, MONDO:0015356.

Submissions (3):

Myriad Genetics, Inc.
Classification: Benign for Pheochromocytoma/paraganglioma syndrome 4. Last evaluated: 2025-03-13. Review status: criteria provided, single submitter. Criteria: Myriad Autosomal Dominant, Autosomal Recessive and X-Linked Classification Criteria (2023). Collection method: clinical testing. Allele origin: unknown.
Comment: This variant is considered benign. This variant is a silent/synonymous amino acid change and it is not expected to impact splicing.

Ambry Genetics
Classification: Likely benign for Hereditary cancer-predisposing syndrome. Last evaluated: 2023-08-26. Review status: criteria provided, single submitter. Criteria: Ambry Variant Classification Scheme 2023. Collection method: clinical testing. Allele origin: germline.

Labcorp Genetics (formerly Invitae), Labcorp
Classification: Likely benign for Gastrointestinal stromal tumor; Pheochromocytoma/paraganglioma syndrome 4; Pheochromocytoma. Last evaluated: 2022-03-13. Review status: criteria provided, single submitter. Criteria: Invitae Variant Classification Sherloc (09022015). Collection method: clinical testing. Allele origin: germline.